The following continues an entry in ClinVar:

NM_007047.5(BTN3A2):c.715+2T>G

Gene: BTN3A2. ClinVar aggregate classification (germline): Benign.

Submissions 106 to 129 of 129:

Dr. Peter K. Rogan Lab, Western University
No classification provided (evidence only). Condition: Familial pancreatic carcinoma. Review status: no classification provided. Collection method: in vitro. Allele origin: not applicable. Functional consequence: skipped exon, retained intron. Not counted in ClinVar's aggregate classification.

Dr. Peter K. Rogan Lab, Western University
No classification provided (evidence only). Condition: Familial pancreatic carcinoma. Review status: no classification provided. Collection method: in vitro. Allele origin: not applicable. Functional consequence: skipped exon, retained intron. Not counted in ClinVar's aggregate classification.

Dr. Peter K. Rogan Lab, Western University
No classification provided (evidence only). Condition: Familial pancreatic carcinoma. Review status: no classification provided. Collection method: in vitro. Allele origin: not applicable. Functional consequence: skipped exon, retained intron. Not counted in ClinVar's aggregate classification.

Dr. Peter K. Rogan Lab, Western University
No classification provided (evidence only). Condition: Familial pancreatic carcinoma. Review status: no classification provided. Collection method: in vitro. Allele origin: not applicable. Functional consequence: skipped exon, retained intron. Not counted in ClinVar's aggregate classification.

Dr. Peter K. Rogan Lab, Western University
No classification provided (evidence only). Condition: Lymphoma. Review status: no classification provided. Collection method: in vitro. Allele origin: not applicable. Functional consequence: skipped exon, retained intron. Not counted in ClinVar's aggregate classification.

Dr. Peter K. Rogan Lab, Western University
No classification provided (evidence only). Condition: Lymphoma. Review status: no classification provided. Collection method: in vitro. Allele origin: not applicable. Functional consequence: skipped exon, retained intron. Not counted in ClinVar's aggregate classification.

Dr. Peter K. Rogan Lab, Western University
No classification provided (evidence only). Condition: Lymphoma. Review status: no classification provided. Collection method: in vitro. Allele origin: not applicable. Functional consequence: skipped exon, retained intron. Not counted in ClinVar's aggregate classification.

Dr. Peter K. Rogan Lab, Western University
No classification provided (evidence only). Condition: Lymphoma. Review status: no classification provided. Collection method: in vitro. Allele origin: not applicable. Functional consequence: skipped exon, retained intron. Not counted in ClinVar's aggregate classification.

Dr. Peter K. Rogan Lab, Western University
No classification provided (evidence only). Condition: Lymphoma. Review status: no classification provided. Collection method: in vitro. Allele origin: not applicable. Functional consequence: skipped exon, retained intron. Not counted in ClinVar's aggregate classification.

Dr. Peter K. Rogan Lab, Western University
No classification provided (evidence only). Condition: Lymphoma. Review status: no classification provided. Collection method: in vitro. Allele origin: not applicable. Functional consequence: skipped exon, retained intron. Not counted in ClinVar's aggregate classification.

Dr. Peter K. Rogan Lab, Western University
No classification provided (evidence only). Condition: Lymphoma. Review status: no classification provided. Collection method: in vitro. Allele origin: not applicable. Functional consequence: skipped exon, retained intron. Not counted in ClinVar's aggregate classification.

Dr. Peter K. Rogan Lab, Western University
No classification provided (evidence only). Condition: Lymphoma. Review status: no classification provided. Collection method: in vitro. Allele origin: not applicable. Functional consequence: skipped exon, retained intron. Not counted in ClinVar's aggregate classification.

Dr. Peter K. Rogan Lab, Western University
No classification provided (evidence only). Condition: Lymphoma. Review status: no classification provided. Collection method: in vitro. Allele origin: not applicable. Functional consequence: skipped exon, retained intron. Not counted in ClinVar's aggregate classification.

Dr. Peter K. Rogan Lab, Western University
No classification provided (evidence only). Condition: Lymphoma. Review status: no classification provided. Collection method: in vitro. Allele origin: not applicable. Functional consequence: skipped exon, retained intron. Not counted in ClinVar's aggregate classification.

Dr. Peter K. Rogan Lab, Western University
No classification provided (evidence only). Condition: Lymphoma. Review status: no classification provided. Collection method: in vitro. Allele origin: not applicable. Functional consequence: skipped exon, retained intron. Not counted in ClinVar's aggregate classification.

Dr. Peter K. Rogan Lab, Western University
No classification provided (evidence only). Condition: Lymphoma. Review status: no classification provided. Collection method: in vitro. Allele origin: not applicable. Functional consequence: skipped exon, retained intron. Not counted in ClinVar's aggregate classification.

Dr. Peter K. Rogan Lab, Western University
No classification provided (evidence only). Condition: Ovarian cancer. Review status: no classification provided. Collection method: in vitro. Allele origin: not applicable. Functional consequence: skipped exon, retained intron. Not counted in ClinVar's aggregate classification.

Dr. Peter K. Rogan Lab, Western University
No classification provided (evidence only). Condition: Ovarian cancer. Review status: no classification provided. Collection method: in vitro. Allele origin: not applicable. Functional consequence: skipped exon. Not counted in ClinVar's aggregate classification.

Dr. Peter K. Rogan Lab, Western University
No classification provided (evidence only). Condition: Ovarian cancer. Review status: no classification provided. Collection method: in vitro. Allele origin: not applicable. Functional consequence: skipped exon. Not counted in ClinVar's aggregate classification.

Dr. Peter K. Rogan Lab, Western University
No classification provided (evidence only). Condition: Ovarian cancer. Review status: no classification provided. Collection method: in vitro. Allele origin: not applicable. Functional consequence: skipped exon, retained intron. Not counted in ClinVar's aggregate classification.

Dr. Peter K. Rogan Lab, Western University
No classification provided (evidence only). Condition: Ovarian cancer. Review status: no classification provided. Collection method: in vitro. Allele origin: not applicable. Functional consequence: skipped exon, retained intron. Not counted in ClinVar's aggregate classification.

Dr. Peter K. Rogan Lab, Western University
No classification provided (evidence only). Condition: Ovarian cancer. Review status: no classification provided. Collection method: in vitro. Allele origin: not applicable. Functional consequence: skipped exon. Not counted in ClinVar's aggregate classification.

Dr. Peter K. Rogan Lab, Western University
No classification provided (evidence only). Condition: Ovarian cancer. Review status: no classification provided. Collection method: in vitro. Allele origin: not applicable. Functional consequence: skipped exon, retained intron. Not counted in ClinVar's aggregate classification.

Dr. Peter K. Rogan Lab, Western University
No classification provided (evidence only). Condition: Ovarian cancer. Review status: no classification provided. Collection method: in vitro. Allele origin: not applicable. Functional consequence: skipped exon, retained intron. Not counted in ClinVar's aggregate classification.